The following is an entry in ClinVar:

ClinVar aggregate classification (germline): Uncertain significance. Review status: criteria provided, multiple submitters, no conflicts (2 of 4 stars). 2 submissions from 2 submitters: Uncertain significance (2). Last evaluated 2025-01-08.

Conditions:
Cardiovascular phenotype. Identifiers: MedGen CN230736.
Desmin-related myofibrillar myopathy (MFM1). Also called: MYOFIBRILLAR MYOPATHY WITH ARRHYTHMOGENIC RIGHT VENTRICULAR CARDIOMYOPATHY; DESMIN-RELATED MYOPATHY WITH ARRHYTHMOGENIC RIGHT VENTRICULAR CARDIOMYOPATHY; Desminopathy; Desmin related myopathy (former name); Desmin storage myopathy (former name); Myofibrillar myopathy 1. Identifiers: Orphanet 363543, Orphanet 98909, MedGen C1832370, MONDO:0011076, OMIM 601419.

Allele frequency attached by ClinVar (database versions not stated): TOPMed below 0.00001.

Submissions (2):

Ambry Genetics
Classification: Uncertain significance for Cardiovascular phenotype. Last evaluated: 2025-01-08. Review status: criteria provided, single submitter. Criteria: Ambry Variant Classification Scheme 2023. Collection method: clinical testing. Allele origin: germline.
Comment: The p.T104M variant (also known as c.311C>T), located in coding exon 1 of the DES gene, results from a C to T substitution at nucleotide position 311. The threonine at codon 104 is replaced by methionine, an amino acid with similar properties. This amino acid position is highly conserved in available vertebrate species. In addition, this alteration is predicted to be deleterious by in silico analysis. Based on the available evidence, the clinical significance of this variant remains unclear.

Labcorp Genetics (formerly Invitae), Labcorp
Classification: Uncertain significance for Desmin-related myofibrillar myopathy. Last evaluated: 2024-05-19. Review status: criteria provided, single submitter. Criteria: Invitae Variant Classification Sherloc (09022015). Collection method: clinical testing. Allele origin: germline.
Comment: This sequence change replaces threonine, which is neutral and polar, with methionine, which is neutral and non-polar, at codon 104 of the DES protein (p.Thr104Met). This variant is not present in population databases (gnomAD no frequency). This variant has not been reported in the literature in individuals affected with DES-related conditions. ClinVar contains an entry for this variant (Variation ID: 856534). Advanced modeling of protein sequence and biophysical properties (such as structural, functional, and spatial information, amino acid conservation, physicochemical variation, residue mobility, and thermodynamic stability) has been performed at Invitae for this missense variant, however the output from this modeling did not meet the statistical confidence thresholds required to predict the impact of this variant on DES protein function. In summary, the available evidence is currently insufficient to determine the role of this variant in disease. Therefore, it has been classified as a Variant of Uncertain Significance.

NM_001927.4(DES):c.311C>T (p.Thr104Met)

Gene: DES (desmin; plus strand). Cytogenetic location: 2q35.
Variant type: single nucleotide variant.
Coding change: c.311C>T on transcript NM_001927.4 (MANE Select); coding-DNA position 311, C replaced by T.
Protein change: p.Thr104Met; replaces threonine 104 with methionine.
Molecular consequence: missense variant.
Genome position (GRCh38, 1-based): chr2:219,418,773, C>T. VCF-style: chr2-219418773-C-T. GRCh37 (hg19) VCF-style: chr2-220283495-C-T.
Other names: short protein forms T104M.
Identifiers: ClinVar variation 856534 (VCV000856534.11), dbSNP rs980849177, ClinGen allele CA65981069.
Genomic context (GRCh38, chr2:219,418,773, plus strand): 5'-GCGCAGGCGAGCTGCTGGACTTCTCACTGGCCGACGCGGTGAACCAGGAGTTTCTGACCA[C>T]GCGCACCAACGAGAAGGTGGAGCTGCAGGAGCTCAATGACCGCTTCGCCAACTACATCGA-3'
Protein context (NP_001918.3, residues 94-114): ADAVNQEFLT[Thr104Met]RTNEKVELQE